The following is an entry in ClinVar:

NM_001458.5(FLNC):c.2027G>A (p.Gly676Asp)

Gene: FLNC (filamin C; plus strand). Cytogenetic location: 7q32.1.
Variant type: single nucleotide variant.
Coding change: c.2027G>A on transcript NM_001458.5 (MANE Select); coding-DNA position 2027, G replaced by A.
Protein change: p.Gly676Asp; replaces glycine 676 with aspartic acid.
Molecular consequence: missense variant.
Genome position (GRCh38, 1-based): chr7:128,841,473, G>A. VCF-style: chr7-128841473-G-A. GRCh37 (hg19) VCF-style: chr7-128481527-G-A.
Other names: c.2027G>A, p.Gly676Asp (NM_001127487.2); short protein forms G676D.
Identifiers: ClinVar variation 3751564 (VCV003751564.1).

ClinVar aggregate classification (germline): Uncertain significance (1 of 4 stars; one submission).

Conditions:
Distal myopathy with posterior leg and anterior hand involvement. Also called: WILLIAMS DISTAL MYOPATHY. Identifiers: Orphanet 63273, MedGen C3279722, MONDO:0013550, OMIM 614065.
Hypertrophic cardiomyopathy 26. Also called: Cardiomyopathy, familial hypertrophic, 26. Identifiers: Orphanet 75249, MedGen C4310749, MONDO:0014883, OMIM 617047.
Dilated Cardiomyopathy, Dominant.
Myofibrillar myopathy 5. Also called: Filaminopathy (type); FILAMINOPATHY, AUTOSOMAL DOMINANT. Identifiers: Orphanet 171445, MedGen C1836050, MONDO:0012289, OMIM 609524.

gnomAD v4.1: 1 of 1,614,134 alleles (0.000062%); highest among the groups gnomAD compares: East Asian, 0.0022%; no homozygotes.

Submission:

Labcorp Genetics (formerly Invitae), Labcorp
Classification: Uncertain significance for Distal myopathy with posterior leg and anterior hand involvement; Myofibrillar myopathy 5; Hypertrophic cardiomyopathy 26. Last evaluated: 2024-03-29. Review status: criteria provided, single submitter. Criteria: Invitae Variant Classification Sherloc (09022015). Collection method: clinical testing. Allele origin: germline.
Comment: This sequence change replaces glycine, which is neutral and non-polar, with aspartic acid, which is acidic and polar, at codon 676 of the FLNC protein (p.Gly676Asp). This variant is not present in population databases (gnomAD no frequency). This variant has not been reported in the literature in individuals affected with FLNC-related conditions. Advanced modeling of protein sequence and biophysical properties (such as structural, functional, and spatial information, amino acid conservation, physicochemical variation, residue mobility, and thermodynamic stability) has been performed at Invitae for this missense variant, however the output from this modeling did not meet the statistical confidence thresholds required to predict the impact of this variant on FLNC protein function. In summary, the available evidence is currently insufficient to determine the role of this variant in disease. Therefore, it has been classified as a Variant of Uncertain Significance.